The following is an entry in ClinVar:

ClinVar aggregate classification (germline): Uncertain significance (1 of 4 stars; one submission).

Allele frequency attached by ClinVar (database versions not stated): TOPMed below 0.00001; gnomAD exomes below 0.00001.
gnomAD v4.1: 1 of 1,613,520 alleles (0.000062%); highest among the groups gnomAD compares: Non-Finnish European, 0.000085%; no homozygotes.

Submission:

GeneDx
Classification: Uncertain significance. Last evaluated: 2025-12-09. Review status: criteria provided, single submitter. Criteria: GeneDx Variant Classification Process June 2021. Collection method: clinical testing. Allele origin: germline. Affected: yes.
Comment: Not observed at significant frequency in large population cohorts (gnomAD); In silico analysis supports that this missense variant has a deleterious effect on protein structure/function; Has not been previously published as pathogenic or benign to our knowledge

NM_001909.5(CTSD):c.266C>T (p.Pro89Leu)

Gene: CTSD (cathepsin D; minus strand). Cytogenetic location: 11p15.5.
Variant type: single nucleotide variant.
Coding change: c.266C>T on transcript NM_001909.5 (MANE Select); coding-DNA position 266, C replaced by T.
Protein change: p.Pro89Leu; replaces proline 89 with leucine.
Molecular consequence: missense variant.
Genome position (GRCh38, 1-based): chr11:1,759,602, G>A on the plus strand (C>T on the coding strand, the complement: CTSD is on the minus strand). VCF-style: chr11-1759602-G-A. GRCh37 (hg19) VCF-style: chr11-1780832-G-A.
Other names: short protein forms P89L.
Identifiers: ClinVar variation 2507189 (VCV002507189.2), dbSNP rs1845850373, ClinGen allele CA379098457.